The following is an entry in ClinVar:

NM_001166114.2(PNPLA6):c.2543C>T (p.Ala848Val)

Gene: PNPLA6 (patatin like domain 6, lysophospholipase; plus strand). Cytogenetic location: 19p13.2.
Variant type: single nucleotide variant.
Coding change: c.2543C>T on transcript NM_001166114.2 (MANE Select); coding-DNA position 2543, C replaced by T.
Protein change: p.Ala848Val; replaces alanine 848 with valine.
Molecular consequence: missense variant.
Genome position (GRCh38, 1-based): chr19:7,554,632, C>T. VCF-style: chr19-7554632-C-T. GRCh37 (hg19) VCF-style: chr19-7619518-C-T.
Other names: c.2429C>T (NM_006702.4); c.2573C>T, p.Ala858Val (NM_001166111.2); c.2348C>T, p.Ala783Val (NM_001166112.2); c.2429C>T, p.Ala810Val (NM_001166113.1, NM_006702.5); short protein forms A810V, A783V, A848V, A858V.
Identifiers: ClinVar variation 1043030 (VCV001043030.7), dbSNP rs760534400, ClinGen allele CA9140147.

ClinVar aggregate classification (germline): Uncertain significance. Review status: criteria provided, multiple submitters, no conflicts (2 of 4 stars). 2 submissions from 2 submitters: Uncertain significance (2). Last evaluated 2025-05-19.

Conditions:
Hereditary spastic paraplegia 39 (SPG39). Also called: Spastic Paraplegia Type 39 (SPG39); SPASTIC PARAPLEGIA 39, AUTOSOMAL RECESSIVE. Identifiers: Orphanet 139480, MedGen C2677586, MONDO:0012787, OMIM 612020.
Inborn genetic diseases. Identifiers: MedGen C0950123, MeSH D030342.

Allele frequency attached by ClinVar (database versions not stated): gnomAD 0.00001; gnomAD exomes 0.00001; TOPMed 0.00001; ExAC 0.00002.

Submissions (2):

Ambry Genetics
Classification: Uncertain significance for Inborn genetic diseases. Last evaluated: 2025-05-19. Review status: criteria provided, single submitter. Criteria: Ambry Variant Classification Scheme 2023. Collection method: clinical testing. Allele origin: germline.

Labcorp Genetics (formerly Invitae), Labcorp
Classification: Uncertain significance for Hereditary spastic paraplegia 39. Last evaluated: 2021-08-27. Review status: criteria provided, single submitter. Criteria: Invitae Variant Classification Sherloc (09022015). Collection method: clinical testing. Allele origin: germline.
Comment: This sequence change replaces alanine with valine at codon 810 of the PNPLA6 protein (p.Ala810Val). The alanine residue is weakly conserved and there is a small physicochemical difference between alanine and valine. This variant is present in population databases (rs760534400, ExAC 0.02%). This variant has not been reported in the literature in individuals affected with PNPLA6-related conditions. Algorithms developed to predict the effect of missense changes on protein structure and function (SIFT, PolyPhen-2, Align-GVGD) all suggest that this variant is likely to be tolerated. In summary, the available evidence is currently insufficient to determine the role of this variant in disease. Therefore, it has been classified as a Variant of Uncertain Significance.